The following is an entry in ClinVar:

ClinVar aggregate classification (germline): Uncertain significance (1 of 4 stars; one submission).

Conditions:
Severe X-linked myotubular myopathy (CNMX). Also called: MYOTUBULAR MYOPATHY 1; Myotubular myopathy, X-linked; X-linked centronuclear myopathy. Identifiers: Orphanet 596, MedGen C0410203, MONDO:0010683, OMIM 310400.

Submission:

Labcorp Genetics (formerly Invitae), Labcorp
Classification: Uncertain significance for Severe X-linked myotubular myopathy. Last evaluated: 2020-01-15. Review status: criteria provided, single submitter. Criteria: Invitae Variant Classification Sherloc (09022015). Collection method: clinical testing. Allele origin: germline.
Comment: This variant is not present in population databases (ExAC no frequency). This sequence change replaces methionine with valine at codon 133 of the MTM1 protein (p.Met133Val). The methionine residue is weakly conserved and there is a small physicochemical difference between methionine and valine. This variant has not been reported in the literature in individuals with MTM1-related conditions. In summary, the available evidence is currently insufficient to determine the role of this variant in disease. Therefore, it has been classified as a Variant of Uncertain Significance. Algorithms developed to predict the effect of missense changes on protein structure and function (SIFT, PolyPhen-2, Align-GVGD) all suggest that this variant is likely to be tolerated, but these predictions have not been confirmed by published functional studies and their clinical significance is uncertain.

NM_000252.3(MTM1):c.397A>G (p.Met133Val)

Gene: MTM1 (myotubularin 1; plus strand). Cytogenetic location: Xq28.
Variant type: single nucleotide variant.
Coding change: c.397A>G on transcript NM_000252.3 (MANE Select); coding-DNA position 397, A replaced by G.
Protein change: p.Met133Val; replaces methionine 133 with valine.
Molecular consequence: missense variant.
Genome position (GRCh38, 1-based): chrX:150,619,092, A>G. VCF-style: chrX-150619092-A-G. GRCh37 (hg19) VCF-style: chrX-149787565-A-G.
Other names: c.397A>G, p.Met133Val (NM_001376906.1, NM_001376908.1); c.286A>G, p.Met96Val (NM_001376907.1); short protein forms M96V, M133V.
Identifiers: ClinVar variation 858453 (VCV000858453.10), dbSNP rs2039434563, ClinGen allele CA415251388.